The following is an entry in ClinVar:

ClinVar aggregate classification (germline): Uncertain significance (1 of 4 stars; one submission).

Conditions:
NCOR1-related disorder. Also called: NCOR1-related condition.

gnomAD v4.1: 1 of 1,597,256 alleles (0.000063%); highest among the groups gnomAD compares: Non-Finnish European, 0.000085%; no homozygotes.

Submission:

PreventionGenetics, part of Exact Sciences
Classification: Uncertain significance for NCOR1-related condition. Last evaluated: 2026-07-16. Review status: criteria provided, single submitter. Criteria: ACMG Guidelines, 2015. Collection method: clinical testing. Allele origin: germline.
Comment: The NCOR1 c.827A>G variant is predicted to result in the amino acid substitution p.His276Arg. To our knowledge, this variant has not been reported in the literature or in a large population database (gnomAD), indicating this variant is rare. At this time, the clinical significance of this variant is uncertain due to the absence of conclusive functional and genetic evidence.

NM_006311.4(NCOR1):c.827A>G (p.His276Arg)

Gene: NCOR1 (nuclear receptor corepressor 1; minus strand). Cytogenetic location: 17p11.2.
Variant type: single nucleotide variant.
Coding change: c.827A>G on transcript NM_006311.4 (MANE Select); coding-DNA position 827, A replaced by G.
Protein change: p.His276Arg; replaces histidine 276 with arginine.
Molecular consequence: missense variant.
Genome position (GRCh38, 1-based): chr17:16,151,961, T>C on the plus strand (A>G on the coding strand, the complement: NCOR1 is on the minus strand). VCF-style: chr17-16151961-T-C. GRCh37 (hg19) VCF-style: chr17-16055275-T-C.
Other names: c.500A>G, p.His167Arg (NM_001190438.2); c.827A>G, p.His276Arg (NM_001190440.2, NM_001439111.1, NM_001439112.1 and 4 more transcripts); short protein forms H167R, H276R.
Identifiers: ClinVar variation 4993381 (VCV004993381.1).